The following is an entry in ClinVar:

NM_000077.5(CDKN2A):c.442G>T (p.Ala148Ser)

Gene: CDKN2A (cyclin dependent kinase inhibitor 2A; minus strand). Cytogenetic location: 9p21.3.
Variant type: single nucleotide variant.
Coding change: c.442G>T on transcript NM_000077.5; coding-DNA position 442, G replaced by T.
Protein change: p.Ala148Ser; replaces alanine 148 with serine.
Molecular consequence: missense variant (on NM_000077.6). On other transcripts: 3 prime UTR variant (2).
Genome position (GRCh38, 1-based): chr9:21,970,917, C>A on the plus strand (G>T on the coding strand, the complement: CDKN2A is on the minus strand). VCF-style: chr9-21970917-C-A. GRCh37 (hg19) VCF-style: chr9-21970916-C-A.
Other names: c.442G>T, p.Ala148Ser (NM_000077.6, NM_001195132.2); c.289G>T, p.Ala97Ser (NM_001363763.2); c.*86G>T (NM_058195.4); c.*365G>T (NM_058197.5); short protein forms A148S, A97S.
Identifiers: ClinVar variation 406706 (VCV000406706.12), dbSNP rs3731249, ClinGen allele CA16612606.

ClinVar aggregate classification (germline): Uncertain significance. Review status: criteria provided, multiple submitters, no conflicts (2 of 4 stars). 2 submissions from 2 submitters: Uncertain significance (2). Last evaluated 2025-10-02.

Conditions:
Hereditary cancer-predisposing syndrome. Also called: Neoplastic Syndromes, Hereditary; Tumor predisposition; Hereditary Cancer Syndrome; Hereditary neoplastic syndrome. Identifiers: Orphanet 140162, MedGen C0027672, MeSH D009386, MONDO:0015356.
Familial melanoma. Also called: Hereditary melanoma; Hereditary cutaneous melanoma. Identifiers: Orphanet 618, MedGen C1512419, MONDO:0018961.

Submissions (2):

Labcorp Genetics (formerly Invitae), Labcorp
Classification: Uncertain significance for Familial melanoma. Last evaluated: 2025-10-02. Review status: criteria provided, single submitter. Criteria: Invitae Variant Classification Sherloc (09022015). Collection method: clinical testing. Allele origin: germline.
Comment: This sequence change replaces alanine, which is neutral and non-polar, with serine, which is neutral and polar, at codon 148 of the CDKN2A (p16INK4a) protein (p.Ala148Ser). This variant is not present in population databases (gnomAD no frequency). This variant has not been reported in the literature in individuals affected with CDKN2A (p16INK4a)-related conditions. ClinVar contains an entry for this variant (Variation ID: 406706). An algorithm developed to predict the effect of missense changes on protein structure and function (PolyPhen-2) suggests that this variant is likely to be tolerated. In summary, the available evidence is currently insufficient to determine the role of this variant in disease. Therefore, it has been classified as a Variant of Uncertain Significance.

Ambry Genetics
Classification: Uncertain significance for Hereditary cancer-predisposing syndrome. Last evaluated: 2024-12-22. Review status: criteria provided, single submitter. Criteria: Ambry Variant Classification Scheme 2023. Collection method: clinical testing. Allele origin: germline.
Comment: The p.A148S variant (also known as c.442G>T), located in coding exon 2 of the CDKN2A gene, results from a G to T substitution at nucleotide position 442. The alanine at codon 148 is replaced by serine, an amino acid with similar properties. Of note, this variant is also known as c.485G>T in the p14(ARF) isoform. This amino acid position is not well conserved in available vertebrate species. In addition, this alteration is predicted to be tolerated by in silico analysis. Based on the available evidence, the clinical significance of this variant remains unclear.